The following is an entry in ClinVar:

ClinVar aggregate classification (germline): Likely benign. Review status: criteria provided, multiple submitters, no conflicts (2 of 4 stars). 2 submissions from 2 submitters: Likely benign (2). Last evaluated 2024-09-10.

Allele frequency attached by ClinVar (database versions not stated): TOPMed 0.00001.

Submissions (2):

Blueprint Genetics
Classification: Likely benign. Last evaluated: 2024-09-10. Review status: criteria provided, single submitter. Criteria: ACMG Guidelines, 2015. Collection method: clinical testing. Allele origin: germline.

GeneDx
Classification: Likely benign. Last evaluated: 2012-10-12. Review status: criteria provided, single submitter. Criteria: GeneDx Variant Classification (06012015). Collection method: clinical testing. Allele origin: germline. Affected: yes.
Comment: This variant is considered likely benign or benign based on one or more of the following criteria: it is a conservative change, it occurs at a poorly conserved position in the protein, it is predicted to be benign by multiple in silico algorithms, and/or has population frequency not consistent with disease.

NM_001267550.2(TTN):c.96421A>G (p.Ile32141Val)

Genes: TTN (titin; minus strand), TTN-AS1 (TTN antisense RNA 1; plus strand), LOC126806421 (CDK7 strongly-dependent group 2 enhancer GRCh37_chr2:179407630-179408829; plus strand). Cytogenetic location: 2q31.2.
Variant type: single nucleotide variant.
Coding change: c.96421A>G on transcript NM_001267550.2 (MANE Select); coding-DNA position 96421, A replaced by G.
Protein change: p.Ile32141Val; replaces isoleucine 32141 with valine.
Molecular consequence: missense variant.
Genome position (GRCh38, 1-based): chr2:178,543,552, T>C on the plus strand (A>G on the coding strand, the complement: TTN is on the minus strand). VCF-style: chr2-178543552-T-C. GRCh37 (hg19) VCF-style: chr2-179408279-T-C.
Other names: p.I30500V:ATC>GTC; c.69226A>G, p.Ile23076Val (NM_003319.4); c.88717A>G, p.Ile29573Val (NM_133378.4); c.69601A>G, p.Ile23201Val (NM_133432.3); c.69802A>G, p.Ile23268Val (NM_133437.4); c.91498A>G, p.Ile30500Val (NM_001256850.1); short protein forms I30500V, I32141V, I23268V, I23076V, I29573V, I23201V.
Identifiers: ClinVar variation 202336 (VCV000202336.4), dbSNP rs794729249, ClinGen allele CA309126.